The following is an entry in ClinVar:

ClinVar aggregate classification (germline): Uncertain significance. Review status: criteria provided, multiple submitters, no conflicts (2 of 4 stars). 2 submissions from 2 submitters: Uncertain significance (2). Last evaluated 2025-06-16.

Allele frequency attached by ClinVar (database versions not stated): gnomAD 0.00001; gnomAD exomes 0.00001 and 0.00002; ExAC 0.00002; TOPMed 0.00002.
gnomAD v4.1: 10 of 1,613,982 alleles (0.00062%); highest among the groups gnomAD compares: Admixed American, 0.012%; no homozygotes.

Submissions (2):

Labcorp Genetics (formerly Invitae), Labcorp
Classification: Uncertain significance. Last evaluated: 2025-06-16. Review status: criteria provided, single submitter. Criteria: Invitae Variant Classification Sherloc (09022015). Collection method: clinical testing. Allele origin: germline.
Comment: This sequence change replaces alanine, which is neutral and non-polar, with proline, which is neutral and non-polar, at codon 577 of the HPS4 protein (p.Ala577Pro). This variant is present in population databases (rs778239048, gnomAD 0.01%). This variant has not been reported in the literature in individuals affected with HPS4-related conditions. ClinVar contains an entry for this variant (Variation ID: 1491190). An algorithm developed to predict the effect of missense changes on protein structure and function (PolyPhen-2) suggests that this variant is likely to be disruptive. In summary, the available evidence is currently insufficient to determine the role of this variant in disease. Therefore, it has been classified as a Variant of Uncertain Significance.

GeneDx
Classification: Uncertain significance. Last evaluated: 2025-04-09. Review status: criteria provided, single submitter. Criteria: GeneDx Variant Classification Process June 2021. Collection method: clinical testing. Allele origin: germline. Affected: yes.
Comment: In silico analysis supports that this missense variant has a deleterious effect on protein structure/function; Has not been previously published as pathogenic or benign to our knowledge

NM_022081.6(HPS4):c.1729G>C (p.Ala577Pro)

Gene: HPS4 (HPS4 biogenesis of lysosomal organelles complex 3 subunit 2; minus strand). Cytogenetic location: 22q12.1.
Variant type: single nucleotide variant.
Coding change: c.1729G>C on transcript NM_022081.6 (MANE Select); coding-DNA position 1729, G replaced by C.
Protein change: p.Ala577Pro; replaces alanine 577 with proline.
Molecular consequence: missense variant. On other transcripts: non-coding transcript variant (8), intron variant (2).
Genome position (GRCh38, 1-based): chr22:26,458,562, C>G on the plus strand (G>C on the coding strand, the complement: HPS4 is on the minus strand). VCF-style: chr22-26458562-C-G. GRCh37 (hg19) VCF-style: chr22-26854528-C-G.
Other names: c.1729G>C, p.Ala577Pro (NM_001349896.1, NM_001349898.2, NM_001349899.2 and 2 more transcripts); c.1783G>C, p.Ala595Pro (NM_001349900.2, NM_001349901.1); c.1714G>C, p.Ala572Pro (NM_152841.2); c.1714-5158G>C (NM_001349902.1, NM_001349903.2); c.1729G>C (NM_022081.5); short protein forms A577P, A595P, A572P.
Identifiers: ClinVar variation 1491190 (VCV001491190.7), dbSNP rs778239048, ClinGen allele CA10163234.